The following is an entry in ClinVar:

ClinVar aggregate classification (germline): Uncertain significance (1 of 4 stars; one submission).

Conditions:
Epilepsy. Also called: Seizure disorder. Identifiers: MedGen C0014544, MeSH D004827, MONDO:0005027.

Allele frequency attached by ClinVar (database versions not stated): gnomAD 0.00001; TOPMed 0.00001; ExAC 0.00002; 1000 Genomes Project 30x 0.00016; 1000 Genomes Project 0.00020.
gnomAD v4.1: 16 of 1,610,452 alleles (0.00099%); highest among the groups gnomAD compares: East Asian, 0.0089%; no homozygotes.

Submission:

Labcorp Genetics (formerly Invitae), Labcorp
Classification: Uncertain significance for Epilepsy. Last evaluated: 2022-11-22. Review status: criteria provided, single submitter. Criteria: Invitae Variant Classification Sherloc (09022015). Collection method: clinical testing. Allele origin: germline.
Comment: In summary, the available evidence is currently insufficient to determine the role of this variant in disease. Therefore, it has been classified as a Variant of Uncertain Significance. Algorithms developed to predict the effect of missense changes on protein structure and function (SIFT, PolyPhen-2, Align-GVGD) all suggest that this variant is likely to be tolerated. This variant has not been reported in the literature in individuals affected with PIGQ-related conditions. This variant is present in population databases (rs555154709, gnomAD 0.02%). This sequence change replaces glutamic acid, which is acidic and polar, with lysine, which is basic and polar, at codon 318 of the PIGQ protein (p.Glu318Lys).

NM_004204.5(PIGQ):c.952G>A (p.Glu318Lys)

Gene: PIGQ (phosphatidylinositol glycan anchor biosynthesis class Q; plus strand). Cytogenetic location: 16p13.3.
Variant type: single nucleotide variant.
Coding change: c.952G>A on transcript NM_004204.5 (MANE Select); coding-DNA position 952, G replaced by A.
Protein change: p.Glu318Lys; replaces glutamic acid 318 with lysine.
Molecular consequence: missense variant.
Genome position (GRCh38, 1-based): chr16:578,388, G>A. VCF-style: chr16-578388-G-A. GRCh37 (hg19) VCF-style: chr16-628388-G-A.
Other names: c.952G>A, p.Glu318Lys (NM_148920.4); short protein forms E318K.
Identifiers: ClinVar variation 2080893 (VCV002080893.2), dbSNP rs555154709, ClinGen allele CA7780064.
Genomic context (GRCh38, chr16:578,388, plus strand): 5'-GGTGCTGAGCCTGGCTGCCCCCGCCCCAGCGTGGCCCCTGTGTCCCTGCAGCACGTGGCC[G>A]AGGAGCTCCAGCATCTGCTGCAGTGGCTGATGGGTGCTCCCGCCGGGCTCAAGATGAACC-3'
Protein context (NP_004195.2, residues 308-328): ALVPVADHVA[Glu318Lys]ELQHLLQWLM